The following is an entry in ClinVar:

NM_006231.4(POLE):c.5378+3G>A

Gene: POLE (DNA polymerase epsilon, catalytic subunit; minus strand). Cytogenetic location: 12q24.33.
Variant type: single nucleotide variant.
Coding change: c.5378+3G>A on transcript NM_006231.4 (MANE Select); 3 bases into the intron after coding-DNA position 5378, G replaced by A.
Molecular consequence: intron variant.
Genome position (GRCh38, 1-based): chr12:132,641,644, C>T on the plus strand (G>A on the coding strand, the complement: POLE is on the minus strand). VCF-style: chr12-132641644-C-T. GRCh37 (hg19) VCF-style: chr12-133218230-C-T.
Identifiers: ClinVar variation 2044917 (VCV002044917.4), dbSNP rs2541879908, ClinGen allele CA2580086182.

ClinVar aggregate classification (germline): Uncertain significance (1 of 4 stars; one submission).

Allele frequency attached by ClinVar (database versions not stated): gnomAD exomes below 0.00001.
gnomAD v4.1: 1 of 1,612,606 alleles (0.000062%); highest among the groups gnomAD compares: South Asian, 0.0011%; no homozygotes.

Submission:

Labcorp Genetics (formerly Invitae), Labcorp
Classification: Uncertain significance. Last evaluated: 2024-06-24. Review status: criteria provided, single submitter. Criteria: Invitae Variant Classification Sherloc (09022015). Collection method: clinical testing. Allele origin: germline.
Comment: This sequence change falls in intron 39 of the POLE gene. It does not directly change the encoded amino acid sequence of the POLE protein. It affects a nucleotide within the consensus splice site. This variant is not present in population databases (gnomAD no frequency). This variant has not been reported in the literature in individuals affected with POLE-related conditions. ClinVar contains an entry for this variant (Variation ID: 2044917). Variants that disrupt the consensus splice site are a relatively common cause of aberrant splicing (PMID: 17576681, 9536098). Algorithms developed to predict the effect of sequence changes on RNA splicing suggest that this variant is not likely to affect RNA splicing. In summary, the available evidence is currently insufficient to determine the role of this variant in disease. Therefore, it has been classified as a Variant of Uncertain Significance.

Literature cited by the submitters: PubMed 17576681; PubMed 9536098.